The following is an entry in ClinVar:

ClinVar aggregate classification (germline): Uncertain significance. Review status: criteria provided, multiple submitters, no conflicts (2 of 4 stars). 2 submissions from 2 submitters: Uncertain significance (2). Last evaluated 2024-12-10.

Conditions:
Townes syndrome (TBS). Also called: Townes-Brocks syndrome. Identifiers: Orphanet 857, MedGen C0265246, MeSH C536974, MONDO:0007142.
Inborn genetic diseases. Identifiers: MedGen C0950123, MeSH D030342.

gnomAD v4.1: 18 of 1,614,102 alleles (0.0011%); highest among the groups gnomAD compares: South Asian, 0.0022%; no homozygotes.

Submissions (2):

Ambry Genetics
Classification: Uncertain significance for Inborn genetic diseases. Last evaluated: 2024-12-10. Review status: criteria provided, single submitter. Criteria: Ambry Variant Classification Scheme 2023. Collection method: clinical testing. Allele origin: germline.

Labcorp Genetics (formerly Invitae), Labcorp
Classification: Uncertain significance for Townes syndrome. Last evaluated: 2024-09-10. Review status: criteria provided, single submitter. Criteria: Invitae Variant Classification Sherloc (09022015). Collection method: clinical testing. Allele origin: germline.
Comment: This sequence change replaces asparagine, which is neutral and polar, with serine, which is neutral and polar, at codon 900 of the SALL1 protein (p.Asn900Ser). This variant is present in population databases (no rsID available, gnomAD 0.003%). This variant has not been reported in the literature in individuals affected with SALL1-related conditions. Invitae Evidence Modeling of protein sequence and biophysical properties (such as structural, functional, and spatial information, amino acid conservation, physicochemical variation, residue mobility, and thermodynamic stability) indicates that this missense variant is not expected to disrupt SALL1 protein function with a negative predictive value of 80%. In summary, the available evidence is currently insufficient to determine the role of this variant in disease. Therefore, it has been classified as a Variant of Uncertain Significance.

NM_002968.3(SALL1):c.2699A>G (p.Asn900Ser)

Gene: SALL1 (spalt like transcription factor 1; minus strand). Cytogenetic location: 16q12.1.
Variant type: single nucleotide variant.
Coding change: c.2699A>G on transcript NM_002968.3 (MANE Select); coding-DNA position 2699, A replaced by G.
Protein change: p.Asn900Ser; replaces asparagine 900 with serine.
Molecular consequence: missense variant.
Genome position (GRCh38, 1-based): chr16:51,139,523, T>C on the plus strand (A>G on the coding strand, the complement: SALL1 is on the minus strand). VCF-style: chr16-51139523-T-C. GRCh37 (hg19) VCF-style: chr16-51173434-T-C.
Other names: c.2408A>G, p.Asn803Ser (NM_001127892.2); short protein forms N803S, N900S.
Identifiers: ClinVar variation 3436858 (VCV003436858.3).
Genomic context (GRCh38, chr16:51,139,523, plus strand): 5'-GAGATGGCTGGGCTGCCAGCACTTTGGCTTTCCATGTCACCACCCACTGAGGATGAATCA[T>C]TGGTCAGGACATCCCCCTCGATGGACCCATTCTCCACTGACTTCAGGCTGGCCTGTAGCT-3'
Protein context (NP_002959.2, residues 890-910): NGSIEGDVLT[Asn900Ser]DSSSVGGDME